The following is an entry in ClinVar:

ClinVar aggregate classification (germline): Conflicting classifications of pathogenicity. Review status: criteria provided, conflicting classifications (1 of 4 stars). 3 submissions from 3 submitters: Uncertain significance (2); Likely benign (1). Last evaluated 2025-08-24.

Allele frequency attached by ClinVar (database versions not stated): TOPMed 0.00004; ExAC 0.00005.
gnomAD v4.1: 61 of 1,612,200 alleles (0.0038%); highest among the groups gnomAD compares: Non-Finnish European, 0.0046%; no homozygotes.

Submissions (3):

Ambry Genetics
Classification: Uncertain significance. Last evaluated: 2025-08-24. Review status: criteria provided, single submitter. Criteria: Ambry Variant Classification Scheme 2023. Collection method: clinical testing. Allele origin: germline.

Labcorp Genetics (formerly Invitae), Labcorp
Classification: Uncertain significance. Last evaluated: 2025-07-21. Review status: criteria provided, single submitter. Criteria: Invitae Variant Classification Sherloc (09022015). Collection method: clinical testing. Allele origin: germline.
Comment: This sequence change replaces isoleucine, which is neutral and non-polar, with valine, which is neutral and non-polar, at codon 511 of the CLCN6 protein (p.Ile511Val). This variant is present in population databases (rs773042242, gnomAD 0.006%). This variant has not been reported in the literature in individuals affected with CLCN6-related conditions. ClinVar contains an entry for this variant (Variation ID: 1921209). An algorithm developed to predict the effect of missense changes on protein structure and function (PolyPhen-2) suggests that this variant is likely to be tolerated. In summary, the available evidence is currently insufficient to determine the role of this variant in disease. Therefore, it has been classified as a Variant of Uncertain Significance.

CeGaT Center for Human Genetics Tuebingen
Classification: Likely benign. Last evaluated: 2023-05-01. Review status: criteria provided, single submitter. Criteria: CeGaT Center For Human Genetics Tuebingen Variant Classification Criteria Version 2. Collection method: clinical testing. Allele origin: germline. Affected: yes. Observed: 1 variant allele.
Comment: CLCN6: BP4, BS2

NM_001286.5(CLCN6):c.1531A>G (p.Ile511Val)

Gene: CLCN6 (Cl-/H+ antiporter 6; plus strand). Cytogenetic location: 1p36.22.
Variant type: single nucleotide variant.
Coding change: c.1531A>G on transcript NM_001286.5 (MANE Select); coding-DNA position 1531, A replaced by G.
Protein change: p.Ile511Val; replaces isoleucine 511 with valine.
Molecular consequence: missense variant. On other transcripts: non-coding transcript variant (1).
Genome position (GRCh38, 1-based): chr1:11,834,240, A>G. VCF-style: chr1-11834240-A-G. GRCh37 (hg19) VCF-style: chr1-11894297-A-G.
Other names: c.1465A>G, p.Ile489Val (NM_001256959.2); c.1531A>G (NM_001286.2); short protein forms I489V, I511V.
Identifiers: ClinVar variation 1921209 (VCV001921209.30), dbSNP rs773042242, ClinGen allele CA596539.